The following is an entry in ClinVar:

NM_020366.4(RPGRIP1):c.1741A>G (p.Ser581Gly)

Gene: RPGRIP1 (RPGR interacting protein 1; plus strand). Cytogenetic location: 14q11.2.
Variant type: single nucleotide variant.
Coding change: c.1741A>G on transcript NM_020366.4 (MANE Select); coding-DNA position 1741, A replaced by G.
Protein change: p.Ser581Gly; replaces serine 581 with glycine.
Molecular consequence: missense variant.
Genome position (GRCh38, 1-based): chr14:21,321,983, A>G. VCF-style: chr14-21321983-A-G. GRCh37 (hg19) VCF-style: chr14-21790142-A-G.
Other names: c.667A>G, p.Ser223Gly (NM_001377523.1, NM_001377948.1, NM_001377949.1 and 1 more transcripts); c.169A>G, p.Ser57Gly (NM_001377951.1); short protein forms S223G, S57G, S581G.
Identifiers: ClinVar variation 2168500 (VCV002168500.5), dbSNP rs2502790256, ClinGen allele CA388866055.

ClinVar aggregate classification (germline): Uncertain significance. Review status: criteria provided, multiple submitters, no conflicts (2 of 4 stars). 2 submissions from 2 submitters: Uncertain significance (2). Last evaluated 2022-04-13.

Conditions:
Leber congenital amaurosis 6 (LCA6). Identifiers: Orphanet 65, MedGen C1854260, MONDO:0013446, OMIM 613826.
Cone-rod dystrophy 13 (CORD13). Identifiers: Orphanet 1872, MedGen C2750720, MONDO:0011987, OMIM 608194.

gnomAD v4.1: 1 of 1,613,066 alleles (0.000062%); highest among the groups gnomAD compares: Non-Finnish European, 0.000085%; no homozygotes.

Submissions (2):

Labcorp Genetics (formerly Invitae), Labcorp
Classification: Uncertain significance for Leber congenital amaurosis 6; Cone-rod dystrophy 13. Last evaluated: 2022-04-13. Review status: criteria provided, single submitter. Criteria: Invitae Variant Classification Sherloc (09022015). Collection method: clinical testing. Allele origin: germline.
Comment: In summary, the available evidence is currently insufficient to determine the role of this variant in disease. Therefore, it has been classified as a Variant of Uncertain Significance. Algorithms developed to predict the effect of missense changes on protein structure and function are either unavailable or do not agree on the potential impact of this missense change (SIFT: "Tolerated"; PolyPhen-2: "Probably Damaging"; Align-GVGD: "Class C0"). This variant has not been reported in the literature in individuals affected with RPGRIP1-related conditions. This variant is not present in population databases (gnomAD no frequency). This sequence change replaces serine, which is neutral and polar, with glycine, which is neutral and non-polar, at codon 581 of the RPGRIP1 protein (p.Ser581Gly).

Blueprint Genetics
Classification: Uncertain significance. Last evaluated: 2019-09-06. Review status: criteria provided, single submitter. Criteria: ACMG Guidelines, 2015. Collection method: clinical testing. Allele origin: germline.